The following is an entry in ClinVar:

NM_020343.4(RALGAPA2):c.4365T>G (p.Ser1455=)

Gene: RALGAPA2 (Ral GTPase activating protein catalytic subunit alpha 2; minus strand). Cytogenetic location: 20p11.23.
Variant type: single nucleotide variant.
Coding change: c.4365T>G on transcript NM_020343.4 (MANE Select); coding-DNA position 4365, T replaced by G.
Protein change: p.Ser1455=; no amino-acid change (serine 1455 retained).
Molecular consequence: synonymous variant.
Genome position (GRCh38, 1-based): chr20:20,513,004, A>C on the plus strand (T>G on the coding strand, the complement: RALGAPA2 is on the minus strand). VCF-style: chr20-20513004-A-C. GRCh37 (hg19) VCF-style: chr20-20493648-A-C.
Identifiers: ClinVar variation 2652233 (VCV002652233.24), dbSNP rs576376554, ClinGen allele CA9783274.

ClinVar aggregate classification (germline): Likely benign (1 of 4 stars; one submission).

Allele frequency attached by ClinVar (database versions not stated): gnomAD 0.00001; gnomAD exomes 0.00002; ExAC 0.00003.
gnomAD v4.1: 28 of 1,613,786 alleles (0.0017%); highest among the groups gnomAD compares: South Asian, 0.0088%; no homozygotes.

Submission:

CeGaT Center for Human Genetics Tuebingen
Classification: Likely benign. Last evaluated: 2022-05-01. Review status: criteria provided, single submitter. Criteria: CeGaT Center For Human Genetics Tuebingen Variant Classification Criteria Version 2. Collection method: clinical testing. Allele origin: germline. Affected: yes. Observed: 1 variant allele.
Comment: RALGAPA2: BP4, BP7